The following is an entry in ClinVar:

ClinVar aggregate classification (germline): Uncertain significance. Review status: criteria provided, multiple submitters, no conflicts (2 of 4 stars). 2 submissions from 2 submitters: Uncertain significance (2). Last evaluated 2025-04-30.

Conditions:
Inborn genetic diseases. Identifiers: MedGen C0950123, MeSH D030342.

Allele frequency attached by ClinVar (database versions not stated): ESP Exome Variant Server 0.00008; 1000 Genomes Project 0.00020; 1000 Genomes Project 30x 0.00031.
gnomAD v4.1: 132 of 1,614,036 alleles (0.0082%); highest among the groups gnomAD compares: Admixed American, 0.095%; no homozygotes.

Submissions (2):

GeneDx
Classification: Uncertain significance. Last evaluated: 2025-04-30. Review status: criteria provided, single submitter. Criteria: GeneDx Variant Classification Process June 2021. Collection method: clinical testing. Allele origin: germline. Affected: yes.
Comment: Has not been previously published as pathogenic or benign to our knowledge; In silico analysis supports that this missense variant has a deleterious effect on protein structure/function

Ambry Genetics
Classification: Uncertain significance for Inborn genetic diseases. Last evaluated: 2024-01-16. Review status: criteria provided, single submitter. Criteria: Ambry Variant Classification Scheme 2023. Collection method: clinical testing. Allele origin: germline.

NM_005094.4(SLC27A4):c.952C>T (p.Arg318Trp)

Gene: SLC27A4 (solute carrier family 27 member 4; plus strand). Cytogenetic location: 9q34.11.
Variant type: single nucleotide variant.
Coding change: c.952C>T on transcript NM_005094.4 (MANE Select); coding-DNA position 952, C replaced by T.
Protein change: p.Arg318Trp; replaces arginine 318 with tryptophan.
Molecular consequence: missense variant.
Genome position (GRCh38, 1-based): chr9:128,352,712, C>T. VCF-style: chr9-128352712-C-T. GRCh37 (hg19) VCF-style: chr9-131114991-C-T.
Other names: short protein forms R318W.
Identifiers: ClinVar variation 3163988 (VCV003163988.2), dbSNP rs374003386, ClinGen allele CA5261127.